The following is an entry in ClinVar:

NM_000057.4(BLM):c.3899G>C (p.Ser1300Thr)

Gene: BLM (BLM RecQ like helicase; plus strand). Cytogenetic location: 15q26.1.
Variant type: single nucleotide variant.
Coding change: c.3899G>C on transcript NM_000057.4 (MANE Select); coding-DNA position 3899, G replaced by C.
Protein change: p.Ser1300Thr; replaces serine 1300 with threonine.
Molecular consequence: missense variant.
Genome position (GRCh38, 1-based): chr15:90,811,229, G>C. VCF-style: chr15-90811229-G-C. GRCh37 (hg19) VCF-style: chr15-91354459-G-C.
Other names: c.3899G>C, p.Ser1300Thr (NM_001287246.2); c.3506G>C, p.Ser1169Thr (NM_001287247.2); c.2774G>C, p.Ser925Thr (NM_001287248.2); short protein forms S1300T, S1169T, S925T.
Identifiers: ClinVar variation 2701693 (VCV002701693.3), dbSNP rs1897407938, ClinGen allele CA393850481.
Genomic context (GRCh38, chr15:90,811,229, plus strand): 5'-ACATCACCTGTAAACATCTGCATTTTCCATTTGTAGCTGAAGACAGTTCCCCAGGGATAA[G>C]CCTGTCCAGCAGCAGAGGCCCCGGAAGAAGTGCCGCTGAGGAGCTCGACGAGGAAATACC-3'
Protein context (NP_000048.1, residues 1290-1310): SPAEDSSPGI[Ser1300Thr]LSSSRGPGRS

ClinVar aggregate classification (germline): Uncertain significance (1 of 4 stars; one submission).

Conditions:
Bloom syndrome (BLM). Also called: Bloom-Torre-Machacek syndrome. Identifiers: Orphanet 125, MedGen C0005859, MONDO:0008876, OMIM 210900.

Submission:

Labcorp Genetics (formerly Invitae), Labcorp
Classification: Uncertain significance for Bloom syndrome. Last evaluated: 2023-12-09. Review status: criteria provided, single submitter. Criteria: Invitae Variant Classification Sherloc (09022015). Collection method: clinical testing. Allele origin: germline.
Comment: This sequence change replaces serine, which is neutral and polar, with threonine, which is neutral and polar, at codon 1300 of the BLM protein (p.Ser1300Thr). This variant is not present in population databases (gnomAD no frequency). This variant has not been reported in the literature in individuals affected with BLM-related conditions. Advanced modeling of protein sequence and biophysical properties (such as structural, functional, and spatial information, amino acid conservation, physicochemical variation, residue mobility, and thermodynamic stability) performed at Invitae indicates that this missense variant is not expected to disrupt BLM protein function with a negative predictive value of 80%. In summary, the available evidence is currently insufficient to determine the role of this variant in disease. Therefore, it has been classified as a Variant of Uncertain Significance.